The following is an entry in ClinVar:

NM_006214.4(PHYH):c.460A>G (p.Met154Val)

Gene: PHYH (phytanoyl-CoA 2-hydroxylase; minus strand). Cytogenetic location: 10p13.
Variant type: single nucleotide variant.
Coding change: c.460A>G on transcript NM_006214.4 (MANE Select); coding-DNA position 460, A replaced by G.
Protein change: p.Met154Val; replaces methionine 154 with valine.
Molecular consequence: missense variant. On other transcripts: intron variant (1).
Genome position (GRCh38, 1-based): chr10:13,291,867, T>C on the plus strand (A>G on the coding strand, the complement: PHYH is on the minus strand). VCF-style: chr10-13291867-T-C. GRCh37 (hg19) VCF-style: chr10-13333867-T-C.
Other names: c.460A>G (NM_006214.3); c.160A>G, p.Met54Val (NM_001037537.2, NM_001323080.2, NM_001323084.2); c.460A>G, p.Met154Val (NM_001323082.2); c.414+2561A>G (NM_001323083.2); short protein forms M54V, M154V.
Identifiers: ClinVar variation 1406047 (VCV001406047.4), dbSNP rs959579723, ClinGen allele CA203281749.

ClinVar aggregate classification (germline): Uncertain significance. Review status: criteria provided, multiple submitters, no conflicts (2 of 4 stars). 2 submissions from 2 submitters: Uncertain significance (2). Last evaluated 2025-08-14.

Allele frequency attached by ClinVar (database versions not stated): TOPMed below 0.00001; gnomAD exomes 0.00001.

Submissions (2):

GeneDx
Classification: Uncertain significance. Last evaluated: 2025-08-14. Review status: criteria provided, single submitter. Criteria: GeneDx Variant Classification Process June 2021. Collection method: clinical testing. Allele origin: germline. Affected: yes.
Comment: Not observed at significant frequency in large population cohorts (gnomAD); In silico analysis supports that this missense variant has a deleterious effect on protein structure/function; Has not been previously published as pathogenic or benign to our knowledge

Labcorp Genetics (formerly Invitae), Labcorp
Classification: Uncertain significance. Last evaluated: 2022-07-19. Review status: criteria provided, single submitter. Criteria: Invitae Variant Classification Sherloc (09022015). Collection method: clinical testing. Allele origin: germline.
Comment: This sequence change replaces methionine, which is neutral and non-polar, with valine, which is neutral and non-polar, at codon 154 of the PHYH protein (p.Met154Val). This variant is not present in population databases (gnomAD no frequency). This variant has not been reported in the literature in individuals affected with PHYH-related conditions. ClinVar contains an entry for this variant (Variation ID: 1406047). Algorithms developed to predict the effect of missense changes on protein structure and function output the following: SIFT: "Tolerated"; PolyPhen-2: "Benign"; Align-GVGD: "Class C0". The valine amino acid residue is found in multiple mammalian species, which suggests that this missense change does not adversely affect protein function. In summary, the available evidence is currently insufficient to determine the role of this variant in disease. Therefore, it has been classified as a Variant of Uncertain Significance.